The following is an entry in ClinVar:

ClinVar aggregate classification (germline): Uncertain significance. Review status: criteria provided, multiple submitters, no conflicts (2 of 4 stars). 4 submissions from 4 submitters: Uncertain significance (4). Last evaluated 2025-11-22.

Conditions:
LRSAM1-related disorder. Also called: LRSAM1-related condition.
Inborn genetic diseases. Identifiers: MedGen C0950123, MeSH D030342.
Charcot-Marie-Tooth disease. Also called: Charcot-Marie-Tooth Neuropathy; Charcot-Marie-Tooth Hereditary Neuropathy. Identifiers: Orphanet 166, MedGen C0007959, MONDO:0015626.
Charcot-Marie-Tooth disease axonal type 2P. Also called: CHARCOT-MARIE-TOOTH NEUROPATHY, TYPE 2P; Charcot-Marie-Tooth Neuropathy Type 2G; CHARCOT-MARIE-TOOTH DISEASE, AXONAL, TYPE 2G; CMT 2G. Identifiers: Orphanet 300319, Orphanet 99941, MedGen C3280797, MONDO:0013753, OMIM 614436.

Allele frequency attached by ClinVar (database versions not stated): gnomAD 0.00001 and 0.00002; gnomAD exomes 0.00002; ExAC 0.00003; TOPMed 0.00003.
gnomAD v4.1: 52 of 1,601,234 alleles (0.0032%); highest among the groups gnomAD compares: Non-Finnish European, 0.0042%; 1 homozygote.

Submissions (4):

Labcorp Genetics (formerly Invitae), Labcorp
Classification: Uncertain significance for Charcot-Marie-Tooth disease axonal type 2P. Last evaluated: 2025-11-22. Review status: criteria provided, single submitter. Criteria: Invitae Variant Classification Sherloc (09022015). Collection method: clinical testing. Allele origin: germline.
Comment: This sequence change replaces glutamine, which is neutral and polar, with glutamic acid, which is acidic and polar, at codon 202 of the LRSAM1 protein (p.Gln202Glu). This variant is present in population databases (rs746274685, gnomAD 0.004%). This variant has not been reported in the literature in individuals affected with LRSAM1-related conditions. ClinVar contains an entry for this variant (Variation ID: 408270). Invitae Evidence Modeling of protein sequence and biophysical properties (such as structural, functional, and spatial information, amino acid conservation, physicochemical variation, residue mobility, and thermodynamic stability) indicates that this missense variant is not expected to disrupt LRSAM1 protein function with a negative predictive value of 80%. In summary, the available evidence is currently insufficient to determine the role of this variant in disease. Therefore, it has been classified as a Variant of Uncertain Significance.

PreventionGenetics, part of Exact Sciences
Classification: Uncertain significance for LRSAM1-related condition. Last evaluated: 2025-10-08. Review status: criteria provided, single submitter. Criteria: ACMG Guidelines, 2015. Collection method: clinical testing. Allele origin: germline.
Comment: The LRSAM1 c.604C>G variant is predicted to result in the amino acid substitution p.Gln202Glu. To our knowledge, this variant has not been reported in the literature. This variant is reported in 0.0049% of alleles in individuals of European (non-Finnish) descent in gnomAD. At this time, the clinical significance of this variant is uncertain due to the absence of conclusive functional and genetic evidence.

Ambry Genetics
Classification: Uncertain significance for Inborn genetic diseases. Last evaluated: 2024-12-22. Review status: criteria provided, single submitter. Criteria: Ambry Variant Classification Scheme 2023. Collection method: clinical testing. Allele origin: germline.

Molecular Genetics Laboratory, London Health Sciences Centre
Classification: Uncertain significance for Charcot-Marie-Tooth disease. Review status: criteria provided, single submitter. Criteria: ACMG Guidelines, 2015. Collection method: clinical testing. Allele origin: germline. Affected: yes.

NM_001005373.4(LRSAM1):c.604C>G (p.Gln202Glu)

Gene: LRSAM1 (leucine rich repeat and sterile alpha motif containing 1; plus strand). Cytogenetic location: 9q33.3.
Variant type: single nucleotide variant.
Coding change: c.604C>G on transcript NM_001005373.4 (MANE Select); coding-DNA position 604, C replaced by G.
Protein change: p.Gln202Glu; replaces glutamine 202 with glutamic acid.
Molecular consequence: missense variant. On other transcripts: 5 prime UTR variant (1), non-coding transcript variant (2).
Genome position (GRCh38, 1-based): chr9:127,467,815, C>G. VCF-style: chr9-127467815-C-G. GRCh37 (hg19) VCF-style: chr9-130230094-C-G.
Other names: c.604C>G, p.Gln202Glu (NM_001005374.4, NM_001190723.3, NM_001384142.1 and 2 more transcripts); c.-181C>G (NM_001384144.1); c.604C>G (NM_138361.4); short protein forms Q202E.
Identifiers: ClinVar variation 408270 (VCV000408270.10), dbSNP rs746274685, ClinGen allele CA5246613.
Genomic context (GRCh38, chr9:127,467,815, plus strand): 5'-GCCTCGGCCATGGTCTACCCGCCGCGGGAGGTGTGTGGTGCCGGCACTGCGGCCATCTTG[C>G]AGTTCCTCTGCAAAGGTAAAGCCAGGCCGCTGCCTCCTCCCCTCATTGAGGAACTATGAC-3'
Protein context (NP_001005373.1, residues 192-212): VCGAGTAAIL[Gln202Glu]FLCKESGLEY